The following is an entry in ClinVar:

ClinVar aggregate classification (germline): Conflicting classifications of pathogenicity. Review status: criteria provided, conflicting classifications (1 of 4 stars). 4 submissions from 4 submitters: Uncertain significance (1); Likely benign (3). Last evaluated 2026-04-01.

Conditions:
Spastic ataxia 2. Also called: Ataxia, spastic, 2, autosomal recessive. Identifiers: Orphanet 397946, MedGen C1969796, MONDO:0012651, OMIM 611302.
Hereditary spastic paraplegia. Also called: Familial spastic paraparesis. Identifiers: Orphanet 685, MedGen C0037773, MONDO:0019064. Disease mechanism: loss of function.

Allele frequency attached by ClinVar (database versions not stated): gnomAD exomes 0.00044 and 0.00024; ExAC 0.00020; gnomAD 0.00026 and 0.00029; TOPMed 0.00035; ESP Exome Variant Server 0.00038.
gnomAD v4.1: 665 of 1,594,134 alleles (0.042%); highest among the groups gnomAD compares: Non-Finnish European, 0.053%; 1 homozygote.

Submissions (6):

CeGaT Center for Human Genetics Tuebingen
Classification: Likely benign. Last evaluated: 2026-04-01. Review status: criteria provided, single submitter. Criteria: CeGaT Center For Human Genetics Tuebingen Variant Classification Criteria Version 2. Collection method: clinical testing. Allele origin: germline. Affected: yes. Observed: 6 variant alleles.
Comment: KIF1C: BP4, BP7

Labcorp Genetics (formerly Invitae), Labcorp
Classification: Likely benign for Spastic ataxia 2. Last evaluated: 2025-11-08. Review status: criteria provided, single submitter. Criteria: Invitae Variant Classification Sherloc (09022015). Collection method: clinical testing. Allele origin: germline.

Women's Health and Genetics/Laboratory Corporation of America, LabCorp
Classification: Likely benign. Last evaluated: 2025-07-03. Review status: criteria provided, single submitter. Criteria: LabCorp Variant Classification Summary - May 2015. Collection method: clinical testing. Allele origin: germline.

Genome Diagnostics Laboratory, The Hospital for Sick Children
Classification: Uncertain significance for Hereditary spastic paraplegia. Last evaluated: 2016-12-12. Review status: criteria provided, single submitter. Criteria: ACMG Guidelines, 2015. Collection method: clinical testing. Allele origin: germline. Affected: yes.

Dr. Peter K. Rogan Lab, Western University
No classification provided (evidence only). Condition: Lung cancer. Review status: no classification provided. Collection method: in vitro. Allele origin: not applicable. Functional consequence: retained intron. Not counted in ClinVar's aggregate classification.

Dr. Peter K. Rogan Lab, Western University
No classification provided (evidence only). Condition: Hepatocellular carcinoma. Review status: no classification provided. Collection method: in vitro. Allele origin: not applicable. Functional consequence: retained intron. Not counted in ClinVar's aggregate classification.

NM_006612.6(KIF1C):c.3198A>G (p.Gln1066=)

Gene: KIF1C (kinesin family member 1C; plus strand). Cytogenetic location: 17p13.2.
Variant type: single nucleotide variant.
Coding change: c.3198A>G on transcript NM_006612.6 (MANE Select); coding-DNA position 3198, A replaced by G.
Protein change: p.Gln1066=; no amino-acid change (glutamine 1066 retained).
Molecular consequence: synonymous variant.
Genome position (GRCh38, 1-based): chr17:5,024,037, A>G. VCF-style: chr17-5024037-A-G. GRCh37 (hg19) VCF-style: chr17-4927332-A-G.
Identifiers: ClinVar variation 702198 (VCV000702198.38), dbSNP rs143972053, ClinGen allele CA8319503.